The following is an entry in ClinVar:

ClinVar aggregate classification (germline): Pathogenic/Likely pathogenic. Review status: criteria provided, multiple submitters, no conflicts (2 of 4 stars). 4 submissions from 4 submitters: Pathogenic (2); Likely pathogenic (1). 1 of the submissions does not count toward it. Last evaluated 2025-10-08.

Conditions:
Chilton-Okur-Chung neurodevelopmental syndrome (CHOCNS). Identifiers: MedGen C5677022, MONDO:0859239, OMIM 619841.
CDC42BPB-related disorder.
CDC42BPB-related neurodevelopmental syndrome.

Submissions (4):

GeneDx
Classification: Pathogenic. Last evaluated: 2025-10-08. Review status: criteria provided, single submitter. Criteria: GeneDx Variant Classification Process June 2021. Collection method: clinical testing. Allele origin: germline. Affected: yes.
Comment: Not observed at significant frequency in large population cohorts (gnomAD); In silico analysis supports that this missense variant has a deleterious effect on protein structure/function; This variant is associated with the following publications: (PMID: 35982159, 32031333, 33057194)

3billion
Classification: Pathogenic for CDC42BPB-related disorder. Last evaluated: 2022-03-22. Review status: criteria provided, single submitter. Criteria: ACMG Guidelines, 2015. Collection method: clinical testing. Allele origin: germline. Affected: yes. Observed: 1 heterozygote.
Comment: The variant has been previously reported as de novo in at least two similarly affected unrelated individuals (PMID: 32031333, PS2_VS). In silico tool predictions suggest damaging effect of the variant on gene or gene product(3CNET: 0.907>=0.75). A missense variant is a common mechanism . It is not observed in the gnomAD v2.1.1 dataset. Therefore, this variant is classified as pathogenic according to the recommendation of ACMG/AMP guideline.

Wendy Chung Laboratory, Boston Children's Hospital
Classification: Likely pathogenic for CDC42BPB-related neurodevelopmental syndrome. Last evaluated: 2019-09-10. Review status: criteria provided, single submitter. Criteria: ACMG Guidelines, 2015. Collection method: research. Allele origin: de novo. Affected: yes. Observed: 2 variant alleles.

OMIM
Classification: Pathogenic for CHILTON-OKUR-CHUNG NEURODEVELOPMENTAL SYNDROME. Last evaluated: 2022-04-27. Review status: no assertion criteria provided. Collection method: literature only. Allele origin: germline. Not counted in ClinVar's aggregate classification.

Literature cited by the submitters: PubMed 32031333 (cited by 3billion and OMIM).

NM_006035.4(CDC42BPB):c.2599C>T (p.Arg867Cys)

Gene: CDC42BPB (CDC42 binding protein kinase beta; minus strand). Cytogenetic location: 14q32.32.
Variant type: single nucleotide variant.
Coding change: c.2599C>T on transcript NM_006035.4 (MANE Select); coding-DNA position 2599, C replaced by T.
Protein change: p.Arg867Cys; replaces arginine 867 with cysteine.
Molecular consequence: missense variant.
Genome position (GRCh38, 1-based): chr14:102,964,629, G>A on the plus strand (C>T on the coding strand, the complement: CDC42BPB is on the minus strand). VCF-style: chr14-102964629-G-A. GRCh37 (hg19) VCF-style: chr14-103430966-G-A.
Other names: c.2599C>T (NM_006035.3); short protein forms R867C.
Identifiers: ClinVar variation 694464 (VCV000694464.8), dbSNP rs1595472764, ClinGen allele CA391082875.